The following is an entry in ClinVar:

NM_000530.8(MPZ):c.311A>G (p.Asp104Gly)

Gene: MPZ (myelin protein zero; minus strand). Cytogenetic location: 1q23.3.
Variant type: single nucleotide variant.
Coding change: c.311A>G on transcript NM_000530.8 (MANE Select); coding-DNA position 311, A replaced by G.
Protein change: p.Asp104Gly; replaces aspartic acid 104 with glycine.
Molecular consequence: missense variant.
Genome position (GRCh38, 1-based): chr1:161,306,845, T>C on the plus strand (A>G on the coding strand, the complement: MPZ is on the minus strand). VCF-style: chr1-161306845-T-C. GRCh37 (hg19) VCF-style: chr1-161276635-T-C.
Other names: p.Asp104Gly; c.311A>G, p.Asp104Gly (NM_001315491.2); short protein forms D104G.
Identifiers: ClinVar variation 1011363 (VCV001011363.10), dbSNP rs1670265880, ClinGen allele CA343349437.

ClinVar aggregate classification (germline): Uncertain significance. Review status: criteria provided, multiple submitters, no conflicts (2 of 4 stars). 2 submissions from 2 submitters: Uncertain significance (2). Last evaluated 2024-05-13.

Conditions:
Charcot-Marie-Tooth disease, type I (CMT1). Also called: Charcot-Marie-Tooth disease type 1; Charcot-Marie-Tooth, Type 1. Identifiers: Orphanet 65753, MedGen C0751036, MONDO:0019011.

Submissions (2):

Mayo Clinic Laboratories, Mayo Clinic
Classification: Uncertain significance. Last evaluated: 2024-05-13. Review status: criteria provided, single submitter. Criteria: ACMG Guidelines, 2015. Collection method: clinical testing. Allele origin: germline. Observed: 1 variant allele.
Comment: PM2

Labcorp Genetics (formerly Invitae), Labcorp
Classification: Uncertain significance for Charcot-Marie-Tooth disease, type I. Last evaluated: 2020-01-24. Review status: criteria provided, single submitter. Criteria: Invitae Variant Classification Sherloc (09022015). Collection method: clinical testing. Allele origin: germline.
Comment: In summary, the available evidence is currently insufficient to determine the role of this variant in disease. Therefore, it has been classified as a Variant of Uncertain Significance. Algorithms developed to predict the effect of missense changes on protein structure and function (SIFT, PolyPhen-2, Align-GVGD) all suggest that this variant is likely to be tolerated, but these predictions have not been confirmed by published functional studies and their clinical significance is uncertain. This variant has not been reported in the literature in individuals with MPZ-related conditions. This variant is not present in population databases (ExAC no frequency). This sequence change replaces aspartic acid with glycine at codon 104 of the MPZ protein (p.Asp104Gly). The aspartic acid residue is moderately conserved and there is a moderate physicochemical difference between aspartic acid and glycine.